The following is an entry in ClinVar:

ClinVar aggregate classification (germline): Benign. Review status: criteria provided, single submitter (1 of 4 stars). 2 submissions from 2 submitters: Benign (1). 1 of the submissions does not count toward it. Last evaluated 2019-10-17.

Conditions:
Leigh syndrome (NULS). Also called: Leigh's syndrome; Leigh Syndrome (mtDNA deletion); Leigh Disease; Subacute necrotizing encephalopathy; Necrotizing encephalopathy infantile subacute of Leigh; LEIGH SYNDROME, NUCLEAR. Identifiers: Orphanet 506, MedGen C2931891, MONDO:0009723, OMIM 256000.
Familial cancer of breast. Also called: BREAST CANCER, FAMILIAL; Hereditary breast cancer; hereditary breast carcinoma. Identifiers: Orphanet 227535, MedGen C0346153, MONDO:0016419, OMIM 114480. Disease mechanism: loss of function.

Submissions (2):

Wong Mito Lab, Molecular and Human Genetics, Baylor College of Medicine
Classification: Benign for Leigh syndrome. Last evaluated: 2019-10-17. Review status: criteria provided, single submitter. Criteria: Modified ACMG Guidelines (Unpublished). Collection method: clinical testing. Allele origin: germline.
Comment: The NC_012920.1:m.15323G>A (YP_003024038.1:p.Ala193Thr) variant in MTCYB gene is interpretated to be a Benign variant based on the modified ACMG guidelines (unpublished). This variant meets the following evidence codes: BS1, BS2, BP4

Department of Zoology Govt. MVM College
Classification: Likely pathogenic for Familial cancer of breast. Review status: no assertion criteria provided. Collection method: not provided. Allele origin: unknown. Not counted in ClinVar's aggregate classification.
Comment: KM276992
ClinVar note: Converted during submission from probable-pathogenic to Likely pathogenic.

NC_012920.1(MT-CYB):m.15323G>A

Gene: MT-CYB (mitochondrially encoded cytochrome b; plus strand).
Variant type: single nucleotide variant.
Genome position: chrM-15323-G-A.
Identifiers: ClinVar variation 143880 (VCV000143880.4), dbSNP rs527236177, ClinGen allele CA270610.